The following is an entry in ClinVar:

ClinVar aggregate classification (germline): Conflicting classifications of pathogenicity. Review status: criteria provided, conflicting classifications (1 of 4 stars). 3 submissions from 3 submitters: Uncertain significance (1); Likely benign (2). Last evaluated 2024-10-26.

Conditions:
RASopathy. Also called: Noonan spectrum disorder; rasopathies. Identifiers: Orphanet 536391, MedGen C5555857, MONDO:0021060.
Cardiovascular phenotype. Identifiers: MedGen CN230736.

Allele frequency attached by ClinVar (database versions not stated): gnomAD exomes below 0.00001; gnomAD 0.00001.
gnomAD v4.1: 6 of 1,576,782 alleles (0.00038%); highest among the groups gnomAD compares: Admixed American, 0.0018%; no homozygotes.

Submissions (3):

Labcorp Genetics (formerly Invitae), Labcorp
Classification: Likely benign for RASopathy. Last evaluated: 2024-10-26. Review status: criteria provided, single submitter. Criteria: Invitae Variant Classification Sherloc (09022015). Collection method: clinical testing. Allele origin: germline.

GeneDx
Classification: Uncertain significance. Last evaluated: 2024-05-06. Review status: criteria provided, single submitter. Criteria: GeneDx Variant Classification Process June 2021. Collection method: clinical testing. Allele origin: germline. Affected: yes.
Comment: Not observed at significant frequency in large population cohorts (gnomAD); In silico analysis indicates that this variant does not alter splicing; Has not been previously published as pathogenic or benign to our knowledge

Ambry Genetics
Classification: Likely benign for Cardiovascular phenotype. Last evaluated: 2024-02-09. Review status: criteria provided, single submitter. Criteria: Ambry Variant Classification Scheme 2023. Collection method: clinical testing. Allele origin: germline.

NM_005188.4(CBL):c.48C>T (p.Gly16=)

Genes: CBL (Cbl proto-oncogene; plus strand), LOC130006895 (ATAC-STARR-seq lymphoblastoid silent region 3975; plus strand). Cytogenetic location: 11q23.3.
Variant type: single nucleotide variant.
Coding change: c.48C>T on transcript NM_005188.4 (MANE Select); coding-DNA position 48, C replaced by T.
Protein change: p.Gly16=; no amino-acid change (glycine 16 retained).
Molecular consequence: synonymous variant.
Genome position (GRCh38, 1-based): chr11:119,206,465, C>T. VCF-style: chr11-119206465-C-T. GRCh37 (hg19) VCF-style: chr11-119077175-C-T.
Identifiers: ClinVar variation 3224653 (VCV003224653.4), dbSNP rs1299889689, ClinGen allele CA477374734.